The following is an entry in ClinVar:

ClinVar aggregate classification (germline): Uncertain significance (1 of 4 stars; one submission).

Conditions:
Primary ciliary dyskinesia. Also called: Ciliary dyskinesia. Identifiers: Orphanet 244, MedGen C0008780, MONDO:0016575, HP:0012265.

Submission:

Labcorp Genetics (formerly Invitae), Labcorp
Classification: Uncertain significance for Primary ciliary dyskinesia. Last evaluated: 2020-03-06. Review status: criteria provided, single submitter. Criteria: Invitae Variant Classification Sherloc (09022015). Collection method: clinical testing. Allele origin: germline.
Comment: This sequence change replaces methionine with threonine at codon 202 of the DNAAF1 protein (p.Met202Thr). The methionine residue is moderately conserved and there is a moderate physicochemical difference between methionine and threonine. This variant is not present in population databases (ExAC no frequency). This variant has not been reported in the literature in individuals with DNAAF1-related conditions. Algorithms developed to predict the effect of missense changes on protein structure and function are either unavailable or do not agree on the potential impact of this missense change (SIFT: "Deleterious"; PolyPhen-2: "Benign"; Align-GVGD: "Class C55"). In summary, the available evidence is currently insufficient to determine the role of this variant in disease. Therefore, it has been classified as a Variant of Uncertain Significance.

NM_178452.6(DNAAF1):c.605T>C (p.Met202Thr)

Gene: DNAAF1 (dynein axonemal assembly factor 1; plus strand). Cytogenetic location: 16q24.1.
Variant type: single nucleotide variant.
Coding change: c.605T>C on transcript NM_178452.6 (MANE Select); coding-DNA position 605, T replaced by C.
Protein change: p.Met202Thr; replaces methionine 202 with threonine.
Molecular consequence: missense variant.
Genome position (GRCh38, 1-based): chr16:84,155,613, T>C. VCF-style: chr16-84155613-T-C. GRCh37 (hg19) VCF-style: chr16-84189218-T-C.
Other names: short protein forms M202T.
Identifiers: ClinVar variation 1013689 (VCV001013689.9), dbSNP rs2087389150, ClinGen allele CA396943581.
Genomic context (GRCh38, chr16:84,155,613, plus strand): 5'-TTTTTGACTTCTGCTGACCTTACCTTCCAGCCTGCCTCCCAGTCCTGAACACATTGCAGA[T>C]GGCCCACAATCACCTGGAGACCGTGGAGGACATTCAGCATCTACAAGAGTGTTTGAGGCT-3'
Protein context (NP_848547.4, residues 192-212): SCLPVLNTLQ[Met202Thr]AHNHLETVED